The following is an entry in ClinVar:

NM_020922.5(WNK3):c.5343G>A (p.Met1781Ile)

Gene: WNK3 (WNK lysine deficient protein kinase 3; minus strand). Cytogenetic location: Xp11.22.
Variant type: single nucleotide variant.
Coding change: c.5343G>A on transcript NM_020922.5 (MANE Select); coding-DNA position 5343, G replaced by A.
Protein change: p.Met1781Ile; replaces methionine 1781 with isoleucine.
Molecular consequence: missense variant.
Genome position (GRCh38, 1-based): chrX:54,198,384, C>T on the plus strand (G>A on the coding strand, the complement: WNK3 is on the minus strand). VCF-style: chrX-54198384-C-T. GRCh37 (hg19) VCF-style: chrX-54224817-C-T.
Other names: c.5172G>A, p.Met1724Ile (NM_001002838.4, NM_001395166.1); short protein forms M1724I, M1781I.
Identifiers: ClinVar variation 4681524 (VCV004681524.5).

ClinVar aggregate classification (germline): Uncertain significance (1 of 4 stars; one submission).

Submission:

CeGaT Center for Human Genetics Tuebingen
Classification: Uncertain significance. Last evaluated: 2025-12-01. Review status: criteria provided, single submitter. Criteria: CeGaT Center For Human Genetics Tuebingen Variant Classification Criteria Version 2. Collection method: clinical testing. Allele origin: germline. Affected: yes. Observed: 1 variant allele.
Comment: WNK3: PM2, BP4